The following is an entry in ClinVar:

NM_020699.4(GATAD2B):c.1007T>G (p.Leu336Arg)

Gene: GATAD2B (GATA zinc finger domain containing 2B; minus strand). Cytogenetic location: 1q21.3.
Variant type: single nucleotide variant.
Coding change: c.1007T>G on transcript NM_020699.4 (MANE Select); coding-DNA position 1007, T replaced by G.
Protein change: p.Leu336Arg; replaces leucine 336 with arginine.
Molecular consequence: missense variant.
Genome position (GRCh38, 1-based): chr1:153,816,482, A>C on the plus strand (T>G on the coding strand, the complement: GATAD2B is on the minus strand). VCF-style: chr1-153816482-A-C. GRCh37 (hg19) VCF-style: chr1-153788958-A-C.
Other names: short protein forms L336R.
Identifiers: ClinVar variation 1303804 (VCV001303804.2), dbSNP rs2101879872, ClinGen allele CA342527806.
Genomic context (GRCh38, chr1:153,816,482, plus strand): 5'-AGAGCCAATTTGGCTGCAGCCTGTGAGTTGGCAGCATCAGTCATGGCGCTGGGGCTAGGA[A>C]GTGGCGAGGACACTCTGTTCACCGTCCCTGGCTGGATATGAGAAGCAAGGTTCATATAGA-3'
Protein context (NP_065750.1, residues 326-346): PGTVNRVSSP[Leu336Arg]PSPSAMTDAA

ClinVar aggregate classification (germline): Uncertain significance (1 of 4 stars; one submission).

Submission:

GeneDx
Classification: Uncertain significance. Last evaluated: 2020-05-22. Review status: criteria provided, single submitter. Criteria: GeneDx Variant Classification Process June 2021. Collection method: clinical testing. Allele origin: germline. Affected: yes.
Comment: Not observed in large population cohorts (Lek et al., 2016); In silico analysis supports that this missense variant does not alter protein structure/function; Has not been previously published as pathogenic or benign to our knowledge